The following is an entry in ClinVar:

ClinVar aggregate classification (germline): Uncertain significance (1 of 4 stars; one submission).

Allele frequency attached by ClinVar (database versions not stated): gnomAD exomes below 0.00001; TOPMed below 0.00001.
gnomAD v4.1: 3 of 1,602,186 alleles (0.00019%); highest among the groups gnomAD compares: East Asian, 0.0023%; no homozygotes.

Submission:

Ambry Genetics
Classification: Uncertain significance. Last evaluated: 2025-03-15. Review status: criteria provided, single submitter. Criteria: Ambry Variant Classification Scheme 2023. Collection method: clinical testing. Allele origin: germline.
Comment: The p.I572T variant (also known as c.1715T>C), located in coding exon 13 of the RECQL gene, results from a T to C substitution at nucleotide position 1715. The isoleucine at codon 572 is replaced by threonine, an amino acid with similar properties. This amino acid position is poorly conserved in available vertebrate species. In addition, this alteration is predicted to be tolerated by in silico analysis. The evidence for this gene-disease relationship is limited; therefore, the clinical significance of this alteration is unclear.

NM_002907.4(RECQL):c.1715T>C (p.Ile572Thr)

Genes: PYROXD1 (pyridine nucleotide-disulphide oxidoreductase domain 1; plus strand), RECQL (RecQ like helicase; minus strand). Cytogenetic location: 12p12.1.
Variant type: single nucleotide variant.
Coding change: c.1715T>C on transcript NM_002907.4 (MANE Select); coding-DNA position 1715, T replaced by C.
Protein change: p.Ile572Thr; replaces isoleucine 572 with threonine.
Molecular consequence: missense variant. On other transcripts: 3 prime UTR variant (3).
Genome position (GRCh38, 1-based): chr12:21,471,051, A>G on the plus strand (T>C on the coding strand, the complement: RECQL is on the minus strand). VCF-style: chr12-21471051-A-G. GRCh37 (hg19) VCF-style: chr12-21623985-A-G.
Other names: c.1715T>C, p.Ile572Thr (NM_032941.3); c.*2297A>G (NM_001350912.2, NM_001350913.2, NM_024854.5); short protein forms I572T.
Identifiers: ClinVar variation 2450982 (VCV002450982.3), dbSNP rs1942940953, ClinGen allele CA384114607.
Genomic context (GRCh38, chr12:21,471,051, plus strand): 5'-TTTGTCACTTGCATAGTAATAGCATGTGCCTCATTGTTCAGAAGATTAGCTTTAGGTCCT[A>G]TTTTCAAATACGAAATGGTAGCATAAGCTGTAAAACTGTAGTCTTCTCTGCAGAAAATAA-3'
Protein context (NP_002898.2, residues 562-582): TAYATISYLK[Ile572Thr]GPKANLLNNE